The following is an entry in ClinVar:

NM_022051.3(EGLN1):c.236C>T (p.Pro79Leu)

Gene: EGLN1 (egl-9 family hypoxia inducible factor 1; minus strand). Cytogenetic location: 1q42.2.
Variant type: single nucleotide variant.
Coding change: c.236C>T on transcript NM_022051.3 (MANE Select); coding-DNA position 236, C replaced by T.
Protein change: p.Pro79Leu; replaces proline 79 with leucine.
Molecular consequence: missense variant.
Genome position (GRCh38, 1-based): chr1:231,421,653, G>A on the plus strand (C>T on the coding strand, the complement: EGLN1 is on the minus strand). VCF-style: chr1-231421653-G-A. GRCh37 (hg19) VCF-style: chr1-231557399-G-A.
Other names: c.236C>T, p.Pro79Leu (NM_001377260.1, NM_001377261.1); short protein forms P79L.
Identifiers: ClinVar variation 2588989 (VCV002588989.5), dbSNP rs1656619438, ClinGen allele CA345238364.
Genomic context (GRCh38, chr1:231,421,653, plus strand): 5'-CGCGCCGCTGCCTTCCTGGGCTCCCGGGCCCCGGCCCTGGGCGGCGGCACTGCAGCCGGC[G>A]GCGCGGGGCCGGAATGCTGGTGTGGGCCCACTCCGTGGCCGAGGGCGCCCTCGCTGCCCT-3'
Protein context (NP_071334.1, residues 69-89): VGPHQHSGPA[Pro79Leu]PAAVPPPRAG

ClinVar aggregate classification (germline): Uncertain significance. Review status: criteria provided, multiple submitters, no conflicts (2 of 4 stars). 2 submissions from 2 submitters: Uncertain significance (2). Last evaluated 2026-01-20.

Conditions:
Erythrocytosis, familial, 3 (ECYT3). Identifiers: Orphanet 247511, MedGen C1853286, MONDO:0012353, OMIM 609820.

Allele frequency attached by ClinVar (database versions not stated): TOPMed below 0.00001.

Submissions (2):

Labcorp Genetics (formerly Invitae), Labcorp
Classification: Uncertain significance for Erythrocytosis, familial, 3. Last evaluated: 2026-01-20. Review status: criteria provided, single submitter. Criteria: Invitae Variant Classification Sherloc (09022015). Collection method: clinical testing. Allele origin: germline.
Comment: This sequence change replaces proline, which is neutral and non-polar, with leucine, which is neutral and non-polar, at codon 79 of the EGLN1 protein (p.Pro79Leu). This variant is not present in population databases (gnomAD no frequency). This variant has not been reported in the literature in individuals affected with EGLN1-related conditions. ClinVar contains an entry for this variant (Variation ID: 2588989). An algorithm developed to predict the effect of missense changes on protein structure and function (PolyPhen-2) suggests that this variant is likely to be disruptive. In summary, the available evidence is currently insufficient to determine the role of this variant in disease. Therefore, it has been classified as a Variant of Uncertain Significance.

Ambry Genetics
Classification: Uncertain significance. Last evaluated: 2025-11-13. Review status: criteria provided, single submitter. Criteria: Ambry Variant Classification Scheme 2023. Collection method: clinical testing. Allele origin: germline.